The following is an entry in ClinVar:

NM_002972.4(SBF1):c.2237T>C (p.Val746Ala)

Gene: SBF1 (SET binding factor 1; minus strand). Cytogenetic location: 22q13.33.
Variant type: single nucleotide variant.
Coding change: c.2237T>C on transcript NM_002972.4 (MANE Select); coding-DNA position 2237, T replaced by C.
Protein change: p.Val746Ala; replaces valine 746 with alanine.
Molecular consequence: missense variant.
Genome position (GRCh38, 1-based): chr22:50,462,364, A>G on the plus strand (T>C on the coding strand, the complement: SBF1 is on the minus strand). VCF-style: chr22-50462364-A-G. GRCh37 (hg19) VCF-style: chr22-50900793-A-G.
Other names: c.2240T>C, p.Val747Ala (NM_001365819.1, NM_001410794.1); c.2237T>C, p.Val746Ala (NM_001410795.1, NM_197971.1); c.2237T>C (NM_002972.2); short protein forms V746A, V747A.
Identifiers: ClinVar variation 1926519 (VCV001926519.3), dbSNP rs1362525741, ClinGen allele CA412210811.
Genomic context (GRCh38, chr22:50,462,364, plus strand): 5'-TAGCTCATGCGGTTGGCATAGTGGATGGCCTGGCTGAACACCGTGCTCTCCTCCTTCTGC[A>G]CCAGCTCCTGCTGCTTCTCACGACTCAGAGTTGGCCACAAGCGCCGCTGCTCAGAAGCCA-3'
Protein context (NP_002963.2, residues 736-756): TLSREKQQEL[Val746Ala]QKEESTVFSQ

ClinVar aggregate classification (germline): Uncertain significance. Review status: criteria provided, multiple submitters, no conflicts (2 of 4 stars). 2 submissions from 2 submitters: Uncertain significance (2). Last evaluated 2024-03-20.

Allele frequency attached by ClinVar (database versions not stated): gnomAD 0.00001; TOPMed 0.00001.
gnomAD v4.1: 1 of 1,613,972 alleles (0.000062%); highest among the groups gnomAD compares: African/African-American, 0.0013%; no homozygotes.

Submissions (2):

Ambry Genetics
Classification: Uncertain significance. Last evaluated: 2024-03-20. Review status: criteria provided, single submitter. Criteria: Ambry Variant Classification Scheme 2023. Collection method: clinical testing. Allele origin: germline.

Labcorp Genetics (formerly Invitae), Labcorp
Classification: Uncertain significance. Last evaluated: 2022-05-04. Review status: criteria provided, single submitter. Criteria: Invitae Variant Classification Sherloc (09022015). Collection method: clinical testing. Allele origin: germline.
Comment: This sequence change replaces valine, which is neutral and non-polar, with alanine, which is neutral and non-polar, at codon 746 of the SBF1 protein (p.Val746Ala). This variant is not present in population databases (gnomAD no frequency). This variant has not been reported in the literature in individuals affected with SBF1-related conditions. Algorithms developed to predict the effect of missense changes on protein structure and function are either unavailable or do not agree on the potential impact of this missense change (SIFT: "Tolerated"; PolyPhen-2: "Possibly Damaging"; Align-GVGD: "Class C0"). In summary, the available evidence is currently insufficient to determine the role of this variant in disease. Therefore, it has been classified as a Variant of Uncertain Significance.